The following is an entry in ClinVar:

NM_170754.4(TNS2):c.253G>A (p.Val85Met)

Genes: TNS2 (tensin 2; plus strand), TNS2-AS1 (TNS2 antisense RNA 1; minus strand). Cytogenetic location: 12q13.13.
Variant type: single nucleotide variant.
Coding change: c.253G>A on transcript NM_170754.4 (MANE Select); coding-DNA position 253, G replaced by A.
Protein change: p.Val85Met; replaces valine 85 with methionine.
Molecular consequence: missense variant. On other transcripts: 5 prime UTR variant (1), non-coding transcript variant (1).
Genome position (GRCh38, 1-based): chr12:53,053,441, G>A. VCF-style: chr12-53053441-G-A. GRCh37 (hg19) VCF-style: chr12-53447225-G-A.
Other names: c.253G>A, p.Val85Met (NM_001416202.1, NM_001416204.1); c.184G>A, p.Val62Met (NM_001416203.1, NM_015319.3); c.-120G>A (NM_198316.2); short protein forms V95M, V85M, V62M.
Identifiers: ClinVar variation 2060458 (VCV002060458.4), dbSNP rs199604341, ClinGen allele CA6591849.
Genomic context (GRCh38, chr12:53,053,441, plus strand): 5'-AGCTCAGTTCCTTACTCGGTCCCCTTCCAGGTGACTTCAGCCTGTCAGGCCTTGCCTCCC[G>A]TGGAGTTGGTGAGTGCGCTCTGGGATGGGGTGGGGAGGGCAAGGAACCTGGCCATGGTGT-3'
Protein context (NP_736610.2, residues 75-95): VTSACQALPP[Val85Met]ELRRNTAPVR

ClinVar aggregate classification (germline): Uncertain significance (1 of 4 stars; one submission).

gnomAD v4.1: 22 of 1,613,926 alleles (0.0014%); highest among the groups gnomAD compares: Admixed American, 0.0067%; no homozygotes.

Submission:

Labcorp Genetics (formerly Invitae), Labcorp
Classification: Uncertain significance. Last evaluated: 2022-02-14. Review status: criteria provided, single submitter. Criteria: Invitae Variant Classification Sherloc (09022015). Collection method: clinical testing. Allele origin: germline.
Comment: This variant has not been reported in the literature in individuals affected with TNS2-related conditions. This sequence change replaces valine, which is neutral and non-polar, with methionine, which is neutral and non-polar, at codon 95 of the TNS2 protein (p.Val95Met). This variant is present in population databases (rs199604341, gnomAD 0.006%). Algorithms developed to predict the effect of missense changes on protein structure and function (SIFT, PolyPhen-2, Align-GVGD) all suggest that this variant is likely to be tolerated. In summary, the available evidence is currently insufficient to determine the role of this variant in disease. Therefore, it has been classified as a Variant of Uncertain Significance.